The following is an entry in ClinVar:

NM_145038.5(DRC1):c.661G>C (p.Glu221Gln)

Gene: DRC1 (dynein regulatory complex subunit 1; plus strand). Cytogenetic location: 2p23.3.
Variant type: single nucleotide variant.
Coding change: c.661G>C on transcript NM_145038.5 (MANE Select); coding-DNA position 661, G replaced by C.
Protein change: p.Glu221Gln; replaces glutamic acid 221 with glutamine.
Molecular consequence: missense variant.
Genome position (GRCh38, 1-based): chr2:26,429,748, G>C. VCF-style: chr2-26429748-G-C. GRCh37 (hg19) VCF-style: chr2-26652616-G-C.
Other names: short protein forms E221Q.
Identifiers: ClinVar variation 4752721 (VCV004752721.1).
Genomic context (GRCh38, chr2:26,429,748, plus strand): 5'-TGCCTGCTTCTGGAGCGGATGGAAGAACAGGTGAAGAATGTGATGAAAACCTTTCGTGAG[G>C]AGCTCTATAACATTGAGGTAACAGGGTGTGAAAAGACCTGGTTTCTGCTCTTGGAGGGCC-3'
Protein context (NP_659475.2, residues 211-231): VKNVMKTFRE[Glu221Gln]LYNIEKAFEV

ClinVar aggregate classification (germline): Uncertain significance (1 of 4 stars; one submission).

Conditions:
Primary ciliary dyskinesia. Also called: Ciliary dyskinesia. Identifiers: Orphanet 244, MedGen C0008780, MONDO:0016575, HP:0012265.

Submission:

Labcorp Genetics (formerly Invitae), Labcorp
Classification: Uncertain significance for Primary ciliary dyskinesia. Last evaluated: 2025-10-16. Review status: criteria provided, single submitter. Criteria: Invitae Variant Classification Sherloc (09022015). Collection method: clinical testing. Allele origin: germline.
Comment: This sequence change replaces glutamic acid, which is acidic and polar, with glutamine, which is neutral and polar, at codon 221 of the DRC1 protein (p.Glu221Gln). This variant is not present in population databases (gnomAD no frequency). This variant has not been reported in the literature in individuals affected with DRC1-related conditions. An algorithm developed to predict the effect of missense changes on protein structure and function (PolyPhen-2) suggests that this variant is likely to be disruptive. In summary, the available evidence is currently insufficient to determine the role of this variant in disease. Therefore, it has been classified as a Variant of Uncertain Significance.